The following is an entry in ClinVar:

ClinVar aggregate classification (germline): Uncertain significance (1 of 4 stars; one submission).

Submission:

GeneDx
Classification: Uncertain significance. Last evaluated: 2024-08-05. Review status: criteria provided, single submitter. Criteria: GeneDx Variant Classification Process June 2021. Collection method: clinical testing. Allele origin: germline. Affected: yes.
Comment: Not observed at significant frequency in large population cohorts (gnomAD); In silico analysis supports that this missense variant has a deleterious effect on protein structure/function; Has not been previously published as pathogenic or benign to our knowledge

NM_183357.3(ADCY5):c.2239C>T (p.Pro747Ser)

Gene: ADCY5 (adenylate cyclase 5; minus strand). Cytogenetic location: 3q21.1.
Variant type: single nucleotide variant.
Coding change: c.2239C>T on transcript NM_183357.3 (MANE Select); coding-DNA position 2239, C replaced by T.
Protein change: p.Pro747Ser; replaces proline 747 with serine.
Molecular consequence: missense variant.
Genome position (GRCh38, 1-based): chr3:123,319,691, G>A on the plus strand (C>T on the coding strand, the complement: ADCY5 is on the minus strand). VCF-style: chr3-123319691-G-A. GRCh37 (hg19) VCF-style: chr3-123038538-G-A.
Other names: c.1189C>T, p.Pro397Ser (NM_001199642.1); c.2239C>T, p.Pro747Ser (NM_001378259.1); short protein forms P397S, P747S.
Identifiers: ClinVar variation 3603199 (VCV003603199.1).